The following is an entry in ClinVar:

ClinVar aggregate classification (germline): Likely benign. Review status: criteria provided, multiple submitters, no conflicts (2 of 4 stars). 3 submissions from 3 submitters: Likely benign (2). 1 of the submissions does not count toward it. Last evaluated 2026-09-01.

Conditions:
Nemaline myopathy 2 (NEM2). Also called: Nemaline myopathy 2, autosomal recessive. Identifiers: MedGen C1850569, MONDO:0009725, OMIM 256030.

Allele frequency attached by ClinVar (database versions not stated): gnomAD 0.00004 and 0.00005; TOPMed 0.00004.
gnomAD v4.1: 21 of 1,613,872 alleles (0.0013%); highest among the groups gnomAD compares: African/African-American, 0.0053%; no homozygotes.

Submissions (3):

CeGaT Center for Human Genetics Tuebingen
Classification: Likely benign. Last evaluated: 2026-09-01. Review status: criteria provided, single submitter. Criteria: CeGaT Center For Human Genetics Tuebingen Variant Classification Criteria Version 2. Collection method: clinical testing. Allele origin: germline. Affected: yes. Observed: 1 variant allele.
Comment: NEB: BP4, BP7

Labcorp Genetics (formerly Invitae), Labcorp
Classification: Likely benign for Nemaline myopathy 2. Last evaluated: 2025-12-06. Review status: criteria provided, single submitter. Criteria: Invitae Variant Classification Sherloc (09022015). Collection method: clinical testing. Allele origin: germline.

Natera, Inc.
Classification: Likely benign for Nemaline myopathy type 2. Last evaluated: 2020-09-16. Review status: no assertion criteria provided. Collection method: clinical testing. Allele origin: germline. Not counted in ClinVar's aggregate classification.

NM_001164508.2(NEB):c.10074C>T (p.His3358=)

Gene: NEB (nebulin; minus strand). Cytogenetic location: 2q23.3.
Variant type: single nucleotide variant.
Coding change: c.10074C>T on transcript NM_001164508.2 (MANE Select); coding-DNA position 10074, C replaced by T.
Protein change: p.His3358=; no amino-acid change (histidine 3358 retained).
Molecular consequence: synonymous variant.
Genome position (GRCh38, 1-based): chr2:151,627,592, G>A on the plus strand (C>T on the coding strand, the complement: NEB is on the minus strand). VCF-style: chr2-151627592-G-A. GRCh37 (hg19) VCF-style: chr2-152484106-G-A.
Other names: c.10074C>T, p.His3358= (NM_001164507.2, NM_001271208.2); c.9345C>T, p.His3115= (NM_004543.5).
Identifiers: ClinVar variation 730195 (VCV000730195.13), dbSNP rs896373241, ClinGen allele CA57651907.